The following is an entry in ClinVar:

NM_001999.4(FBN2):c.4631A>G (p.Asn1544Ser)

Gene: FBN2 (fibrillin 2; minus strand). Cytogenetic location: 5q23.3.
Variant type: single nucleotide variant.
Coding change: c.4631A>G on transcript NM_001999.4 (MANE Select); coding-DNA position 4631, A replaced by G.
Protein change: p.Asn1544Ser; replaces asparagine 1544 with serine.
Molecular consequence: missense variant.
Genome position (GRCh38, 1-based): chr5:128,318,235, T>C on the plus strand (A>G on the coding strand, the complement: FBN2 is on the minus strand). VCF-style: chr5-128318235-T-C. GRCh37 (hg19) VCF-style: chr5-127653927-T-C.
Other names: short protein forms N1544S.
Identifiers: ClinVar variation 3897121 (VCV003897121.1).
Genomic context (GRCh38, chr5:128,318,235, plus strand): 5'-AACTGAAAATCGGGTGGGCAGTTACACTCATAGCGACCAGGCGTGTTGACACATAGGCCA[T>C]TGACACAGTTTATAGGATCTGCACACTCATCAATATCTAGGAGAAGCATTTAAAATGCCC-3'
Protein context (NP_001990.2, residues 1534-1554): DECADPINCV[Asn1544Ser]GLCVNTPGRY

ClinVar aggregate classification (germline): Uncertain significance (1 of 4 stars; one submission).

gnomAD v4.1: 18 of 1,613,890 alleles (0.0011%); highest among the groups gnomAD compares: Non-Finnish European, 0.0014%; no homozygotes.

Submission:

GeneDx
Classification: Uncertain significance. Last evaluated: 2024-11-04. Review status: criteria provided, single submitter. Criteria: GeneDx Variant Classification Process June 2021. Collection method: clinical testing. Allele origin: germline. Affected: yes.
Comment: Has not been previously published as pathogenic or benign to our knowledge; Not observed at significant frequency in large population cohorts (gnomAD); In silico analysis indicates that this missense variant does not alter protein structure/function; This variant is associated with the following publications: (PMID: 19006240, 18767143)